The following is an entry in ClinVar:

ClinVar aggregate classification (germline): Likely benign (1 of 4 stars; one submission).

gnomAD v4.1: 1 of 1,610,496 alleles (0.000062%); highest among the groups gnomAD compares: Non-Finnish European, 0.000085%; no homozygotes.

Submission:

CeGaT Center for Human Genetics Tuebingen
Classification: Likely benign. Last evaluated: 2023-03-01. Review status: criteria provided, single submitter. Criteria: CeGaT Center For Human Genetics Tuebingen Variant Classification Criteria Version 2. Collection method: clinical testing. Allele origin: germline. Affected: yes. Observed: 1 variant allele.
Comment: TPI1: PM2:Supporting, BP4, BP7

NM_000365.6(TPI1):c.93G>C (p.Ala31=)

Gene: TPI1 (triosephosphate isomerase 1; plus strand). Cytogenetic location: 12p13.31.
Variant type: single nucleotide variant.
Coding change: c.93G>C on transcript NM_000365.6 (MANE Select); coding-DNA position 93, G replaced by C.
Protein change: p.Ala31=; no amino-acid change (alanine 31 retained).
Molecular consequence: synonymous variant.
Genome position (GRCh38, 1-based): chr12:6,867,659, G>C. VCF-style: chr12-6867659-G-C. GRCh37 (hg19) VCF-style: chr12-6976823-G-C.
Other names: c.204G>C, p.Ala68= (NM_001159287.1).
Identifiers: ClinVar variation 2642641 (VCV002642641.24), dbSNP rs991531618, ClinGen allele CA478163912.
Genomic context (GRCh38, chr12:6,867,659, plus strand): 5'-AAACTGGAAGATGAACGGGCGGAAGCAGAGTCTGGGGGAGCTCATCGGCACTCTGAACGC[G>C]GCCAAGGTGCCGGCCGACACCGGTAAGCCCTCGCCGAGGAGGGGTCTGGCCGGGCCGGGG-3'
Protein context (NP_000356.1, residues 21-41): SLGELIGTLN[Ala31=]AKVPADTEVV